The following is an entry in ClinVar:

NM_031885.5(BBS2):c.995G>A (p.Ser332Asn)

Gene: BBS2 (Bardet-Biedl syndrome 2; minus strand). Cytogenetic location: 16q13.
Variant type: single nucleotide variant.
Coding change: c.995G>A on transcript NM_031885.5 (MANE Select); coding-DNA position 995, G replaced by A.
Protein change: p.Ser332Asn; replaces serine 332 with asparagine.
Molecular consequence: missense variant. On other transcripts: non-coding transcript variant (5).
Genome position (GRCh38, 1-based): chr16:56,502,402, C>T on the plus strand (G>A on the coding strand, the complement: BBS2 is on the minus strand). VCF-style: chr16-56502402-C-T. GRCh37 (hg19) VCF-style: chr16-56536314-C-T.
Other names: c.995G>A, p.Ser332Asn (NM_001377456.1); short protein forms S332N.
Identifiers: ClinVar variation 695639 (VCV000695639.21), dbSNP rs199655331, ClinGen allele CA8065849.
Genomic context (GRCh38, chr16:56,502,402, plus strand): 5'-AGTTCCAGCAACAGATTCTGCTTCTTCTGACTCAGCTCTCGGATCAGGTCCTGCTCTGCA[C>T]TGGTGTCCATGAGGTTGCCCCTCATCTCAGCCGTGCCAGGCAGGTAGCCCCGGACTGAAC-3'
Protein context (NP_114091.4, residues 322-342): AEMRGNLMDT[Ser332Asn]AEQDLIRELS

ClinVar aggregate classification (germline): Conflicting classifications of pathogenicity. Review status: criteria provided, conflicting classifications (1 of 4 stars). 5 submissions from 5 submitters: Uncertain significance (1); Benign (1); Likely benign (1). 2 of the submissions do not count toward it. Last evaluated 2026-01-20.

Conditions:
BBS2-related disorder. Also called: BBS2-related condition; BBS2-related disorders. Identifiers: MedGen CN239228.
Bardet-Biedl syndrome (BBS). Identifiers: Orphanet 110, MedGen C0752166, MONDO:0015229.
Bardet-Biedl syndrome 2 (BBS2). Identifiers: Orphanet 110, MedGen C2936863, MONDO:0014432, OMIM 615981.

Allele frequency attached by ClinVar (database versions not stated): gnomAD 0.00030 and 0.00033; gnomAD exomes 0.00030 and 0.00014; TOPMed 0.00006; ESP Exome Variant Server 0.00015; ExAC 0.00030.
gnomAD v4.1: 258 of 1,614,122 alleles (0.016%); highest among the groups gnomAD compares: Non-Finnish European, 0.0096%; no homozygotes.

Submissions (5):

Labcorp Genetics (formerly Invitae), Labcorp
Classification: Likely benign for Bardet-Biedl syndrome. Last evaluated: 2026-01-20. Review status: criteria provided, single submitter. Criteria: Invitae Variant Classification Sherloc (09022015). Collection method: clinical testing. Allele origin: germline.

CeGaT Center for Human Genetics Tuebingen
Classification: Uncertain significance. Last evaluated: 2025-09-01. Review status: criteria provided, single submitter. Criteria: CeGaT Center For Human Genetics Tuebingen Variant Classification Criteria Version 2. Collection method: clinical testing. Allele origin: germline. Affected: yes. Observed: 1 variant allele.
Comment: BBS2: PM2

Blueprint Genetics
Classification: Benign. Last evaluated: 2024-06-07. Review status: criteria provided, single submitter. Criteria: ACMG Guidelines, 2015. Collection method: clinical testing. Allele origin: germline.

PreventionGenetics, part of Exact Sciences
Classification: Likely benign for BBS2-related condition. Last evaluated: 2022-04-28. Review status: no assertion criteria provided. Collection method: clinical testing. Allele origin: germline. Not counted in ClinVar's aggregate classification.
Comment: This variant is classified as likely benign based on ACMG/AMP sequence variant interpretation guidelines (Richards et al. 2015 PMID: 25741868, with internal and published modifications).

Natera, Inc.
Classification: Uncertain significance for Bardet-Biedl syndrome type 2. Last evaluated: 2020-01-17. Review status: no assertion criteria provided. Collection method: clinical testing. Allele origin: germline. Not counted in ClinVar's aggregate classification.